The following is an entry in ClinVar:

ClinVar aggregate classification (germline): Benign. Review status: criteria provided, multiple submitters, no conflicts (2 of 4 stars). 3 submissions from 3 submitters: Benign (2). 1 of the submissions does not count toward it. Last evaluated 2026-02-02.

Conditions:
EXPH5-related disorder. Also called: EXPH5-related condition.

Allele frequency attached by ClinVar (database versions not stated): gnomAD exomes 0.00100 and 0.00300; ExAC 0.00357; gnomAD 0.01091 and 0.01166; 1000 Genomes Project 30x 0.01187; TOPMed 0.01266; 1000 Genomes Project 0.01278; ESP Exome Variant Server 0.01293.
gnomAD v4.1: 3,208 of 1,613,708 alleles (0.2%); highest among the groups gnomAD compares: African/African-American, 3.8%; 59 homozygotes.

Submissions (3):

Labcorp Genetics (formerly Invitae), Labcorp
Classification: Benign. Last evaluated: 2026-02-02. Review status: criteria provided, single submitter. Criteria: Invitae Variant Classification Sherloc (09022015). Collection method: clinical testing. Allele origin: germline.

Breakthrough Genomics
Classification: Benign. Review status: criteria provided, single submitter. Criteria: ACMG Guidelines, 2015. Collection method: not provided. Allele origin: germline. Inheritance: Autosomal recessive inheritance. Affected: yes.

PreventionGenetics, part of Exact Sciences
Classification: Benign for EXPH5-related condition. Last evaluated: 2024-04-15. Review status: no assertion criteria provided. Collection method: clinical testing. Allele origin: germline. Not counted in ClinVar's aggregate classification.
Comment: This variant is classified as benign based on ACMG/AMP sequence variant interpretation guidelines (Richards et al. 2015 PMID: 25741868, with internal and published modifications).

NM_015065.3(EXPH5):c.1377A>G (p.Arg459=)

Gene: EXPH5 (exophilin 5; minus strand). Cytogenetic location: 11q22.3.
Variant type: single nucleotide variant.
Coding change: c.1377A>G on transcript NM_015065.3 (MANE Select); coding-DNA position 1377, A replaced by G.
Protein change: p.Arg459=; no amino-acid change (arginine 459 retained).
Molecular consequence: synonymous variant.
Genome position (GRCh38, 1-based): chr11:108,514,130, T>C on the plus strand (A>G on the coding strand, the complement: EXPH5 is on the minus strand). VCF-style: chr11-108514130-T-C. GRCh37 (hg19) VCF-style: chr11-108384857-T-C.
Other names: c.1149A>G, p.Arg383= (NM_001144763.2); c.909A>G, p.Arg303= (NM_001144764.2); c.813A>G, p.Arg271= (NM_001144765.2); c.1356A>G, p.Arg452= (NM_001308019.2).
Identifiers: ClinVar variation 785382 (VCV000785382.12), dbSNP rs116565594, ClinGen allele CA6268048.